The following is an entry in ClinVar:

ClinVar aggregate classification (germline): Pathogenic/Likely pathogenic. Review status: criteria provided, multiple submitters, no conflicts (2 of 4 stars). 5 submissions from 5 submitters: Pathogenic (1); Likely pathogenic (4). Last evaluated 2026-08-04.

Conditions:
Polycystic kidney disease 4 (PKD4). Also called: POLYCYSTIC KIDNEY DISEASE 4 WITH OR WITHOUT POLYCYSTIC LIVER DISEASE; PKD3; POLYCYSTIC KIDNEY AND HEPATIC DISEASE 1; POLYCYSTIC KIDNEY DISEASE, INFANTILE, TYPE I; Autosomal Recessive Polycystic Kidney Disease – PKHD1. Identifiers: MedGen C4540575, MONDO:0033004, OMIM 263200.
PKHD1-related disorder. Also called: PKHD1-related condition.
Autosomal recessive polycystic kidney disease (ARPKD). Also called: AR polycystic kidney disease. Identifiers: Orphanet 731, Orphanet 8378, MedGen C0085548, MeSH D017044, MONDO:0009889.

gnomAD v4.1: 9 of 1,610,738 alleles (0.00056%); highest among the groups gnomAD compares: Admixed American, 0.012%; no homozygotes.

Submissions (5):

PreventionGenetics, part of Exact Sciences
Classification: Likely pathogenic for PKHD1-related condition. Last evaluated: 2026-08-04. Review status: criteria provided, single submitter. Criteria: ACMG Guidelines, 2015. Collection method: clinical testing. Allele origin: germline.
Comment: The PKHD1 c.7264T>C variant is predicted to result in the amino acid substitution p.Cys2422Arg. This variant has been reported in individuals with autosomal recessive polycystic kidney disease (ARPKD) (Gunay-Aygun et al. 2010. PubMed ID: 19914852; Gunay-Aygun et al. 2010. PubMed ID: 20413436; Tong et al. 2016. PubMed ID: 27752906; Watson et al. 2025. PubMed ID: 39888183). In addition, another change affecting the same amino acid position (p.Cys2422Gly) has been reported in multiple affected individuals (Burgmaier et al. 2021. PubMed ID: 33940108; Bergmann et al. 2005. PubMed ID: 15698423; Furu et al. 2003. PubMed ID: 12874454).This variant is reported in 0.017% of alleles in individuals of Latino descent in gnomAD. This variant is interpreted as likely pathogenic.

Natera, Inc.
Classification: Likely pathogenic for Autosomal recessive polycystic kidney disease. Last evaluated: 2025-08-21. Review status: criteria provided, single submitter. Criteria: Natera Variant Classification Schema (03/2026). Collection method: clinical testing. Allele origin: germline.
Comment: The c.7264T>C variant in PKHD1 is a missense variant predicted to cause substitution of cysteine to arginine at amino acid 2422. This variant is rare in the general population with a frequency below the threshold expected for the associated phenotype(s). This variant has been observed in one or more individuals affected with the associated recessive disease, as either homozygous or compound heterozygous with a second variant (PMID: 19914852). A different variant at the same position has been determined to be Pathogenic or Likely Pathogenic. Computational prediction algorithms indicate this variant is likely to affect gene or protein function. Given the available evidence, this variant is classified as Likely Pathogenic.

Labcorp Genetics (formerly Invitae), Labcorp
Classification: Pathogenic for Autosomal recessive polycystic kidney disease. Last evaluated: 2024-11-28. Review status: criteria provided, single submitter. Criteria: Invitae Variant Classification Sherloc (09022015). Collection method: clinical testing. Allele origin: germline.
Comment: This sequence change replaces cysteine, which is neutral and slightly polar, with arginine, which is basic and polar, at codon 2422 of the PKHD1 protein (p.Cys2422Arg). This variant is present in population databases (rs201881567, gnomAD 0.02%). This missense change has been observed in individual(s) with polycystic kidney disease (PMID: 19914852, 27752906; internal data). In at least one individual the data is consistent with being in trans (on the opposite chromosome) from a pathogenic variant. ClinVar contains an entry for this variant (Variation ID: 1494871). Invitae Evidence Modeling of protein sequence and biophysical properties (such as structural, functional, and spatial information, amino acid conservation, physicochemical variation, residue mobility, and thermodynamic stability) indicates that this missense variant is expected to disrupt PKHD1 protein function with a positive predictive value of 80%. For these reasons, this variant has been classified as Pathogenic.

GeneDx
Classification: Likely pathogenic. Last evaluated: 2023-12-18. Review status: criteria provided, single submitter. Criteria: GeneDx Variant Classification Process June 2021. Collection method: clinical testing. Allele origin: germline. Affected: yes.
Comment: In silico analysis supports that this missense variant has a deleterious effect on protein structure/function; This variant is associated with the following publications: (PMID: 19914852, 27752906)

Fulgent Genetics
Classification: Likely pathogenic for Polycystic kidney disease 4. Last evaluated: 2022-04-13. Review status: criteria provided, single submitter. Criteria: ACMG Guidelines, 2015. Collection method: clinical testing. Allele origin: unknown.

Literature cited by the submitters: PubMed 19914852 (cited by Natera, Inc. and Labcorp Genetics (formerly Invitae), Labcorp); PubMed 27752906 (cited by Labcorp Genetics (formerly Invitae), Labcorp).

NM_138694.4(PKHD1):c.7264T>C (p.Cys2422Arg)

Gene: PKHD1 (PKHD1 ciliary IPT domain containing fibrocystin/polyductin; minus strand). Cytogenetic location: 6p12.2.
Variant type: single nucleotide variant.
Coding change: c.7264T>C on transcript NM_138694.4 (MANE Select); coding-DNA position 7264, T replaced by C.
Protein change: p.Cys2422Arg; replaces cysteine 2422 with arginine.
Molecular consequence: missense variant.
Genome position (GRCh38, 1-based): chr6:51,883,179, A>G on the plus strand (T>C on the coding strand, the complement: PKHD1 is on the minus strand). VCF-style: chr6-51883179-A-G. GRCh37 (hg19) VCF-style: chr6-51747977-A-G.
Other names: c.7264T>C (NM_138694.3); c.7264T>C, p.Cys2422Arg (NM_170724.3); short protein forms C2422R.
Identifiers: ClinVar variation 1494871 (VCV001494871.11), dbSNP rs201881567, ClinGen allele CA3851987.